The following is an entry in ClinVar:

ClinVar aggregate classification (germline): Conflicting classifications of pathogenicity. Review status: criteria provided, conflicting classifications (1 of 4 stars). 12 submissions from 12 submitters: Uncertain significance (1); Benign (2); Likely benign (5). 4 of the submissions do not count toward it. Last evaluated 2026-02-03.

Conditions:
Pheochromocytoma/paraganglioma syndrome 5. Also called: SDHA-Related Hereditary Paraganglioma-Pheochromocytoma Syndrome; Paragangliomas 5. Identifiers: Orphanet 29072, MedGen C3279992, MONDO:0013602, OMIM 614165.
Mitochondrial complex II deficiency, nuclear type 1. Also called: SUCCINATE CoQ REDUCTASE DEFICIENCY. Identifiers: Orphanet 3208, MedGen C5700310, MONDO:0100294, OMIM 252011.
Hereditary cancer-predisposing syndrome. Also called: Tumor predisposition; Neoplastic Syndromes, Hereditary; Hereditary Cancer Syndrome; Hereditary neoplastic syndrome. Identifiers: Orphanet 140162, MedGen C0027672, MeSH D009386, MONDO:0015356.

Allele frequency attached by ClinVar (database versions not stated): 1000 Genomes Project 30x 0.00109; 1000 Genomes Project 0.00140; ESP Exome Variant Server 0.00185; TOPMed 0.00187; ExAC 0.00207; gnomAD exomes 0.00210 and 0.00315; gnomAD 0.00226 and 0.00235.
gnomAD v4.1: 4,911 of 1,612,170 alleles (0.3%); highest among the groups gnomAD compares: Non-Finnish European, 0.37%; 11 homozygotes.

Submissions (12):

Labcorp Genetics (formerly Invitae), Labcorp
Classification: Benign for Pheochromocytoma/paraganglioma syndrome 5; Mitochondrial complex II deficiency, nuclear type 1. Last evaluated: 2026-02-03. Review status: criteria provided, single submitter. Criteria: Invitae Variant Classification Sherloc (09022015). Collection method: clinical testing. Allele origin: germline.

Blueprint Genetics
Classification: Likely benign. Last evaluated: 2024-11-19. Review status: criteria provided, single submitter. Criteria: ACMG Guidelines, 2015. Collection method: clinical testing. Allele origin: germline.

ARUP Laboratories, Molecular Genetics and Genomics, ARUP Laboratories
Classification: Likely benign. Last evaluated: 2023-10-13. Review status: criteria provided, single submitter. Criteria: ARUP Molecular Germline Variant Investigation Process 2024. Collection method: clinical testing. Allele origin: germline.

KCCC/NGS Laboratory, Kuwait Cancer Control Center
Classification: Likely benign for Pheochromocytoma/paraganglioma syndrome 5. Last evaluated: 2023-07-07. Review status: criteria provided, single submitter. Criteria: ACMG Guidelines, 2015. Collection method: clinical testing. Allele origin: germline. Affected: yes.

Myriad Genetics, Inc.
Classification: Likely benign for Pheochromocytoma/paraganglioma syndrome 5. Last evaluated: 2023-04-21. Review status: criteria provided, single submitter. Criteria: Myriad Autosomal Dominant, Autosomal Recessive and X-Linked Classification Criteria (2023). Collection method: clinical testing. Allele origin: unknown.
Comment: This variant is considered likely benign. This variant is intronic and is not expected to impact mRNA splicing.

Ambry Genetics
Classification: Benign for Hereditary cancer-predisposing syndrome. Last evaluated: 2023-03-01. Review status: criteria provided, single submitter. Criteria: Ambry Variant Classification Scheme 2023. Collection method: clinical testing. Allele origin: germline.

Institute for Clinical Genetics, University Hospital TU Dresden, University Hospital TU Dresden
Classification: Uncertain significance. Last evaluated: 2021-11-03. Review status: criteria provided, single submitter. Criteria: ACMG Guidelines, 2015. Collection method: clinical testing. Allele origin: germline.

GeneDx
Classification: Likely benign. Last evaluated: 2018-01-09. Review status: criteria provided, single submitter. Criteria: GeneDx Variant Classification (06012015). Collection method: clinical testing. Allele origin: germline. Affected: yes.
Comment: This variant is considered likely benign or benign based on one or more of the following criteria: it is a conservative change, it occurs at a poorly conserved position in the protein, it is predicted to be benign by multiple in silico algorithms, and/or has population frequency not consistent with disease.

Counsyl
Classification: Likely benign for Pheochromocytoma/paraganglioma syndrome 5. Last evaluated: 2016-05-18. Review status: no assertion criteria provided. Collection method: clinical testing. Allele origin: unknown. Not counted in ClinVar's aggregate classification.

Diagnostic Laboratory, Department of Genetics, University Medical Center Groningen
Classification: Likely benign. Review status: no assertion criteria provided. Collection method: clinical testing. Allele origin: germline. Affected: yes. Study: VKGL Data-share Consensus. Not counted in ClinVar's aggregate classification.

Genome Diagnostics Laboratory, Amsterdam University Medical Center
Classification: Likely benign. Review status: no assertion criteria provided. Collection method: clinical testing. Allele origin: germline. Affected: yes. Study: VKGL Data-share Consensus. Not counted in ClinVar's aggregate classification.

Joint Genome Diagnostic Labs from Nijmegen and Maastricht, Radboudumc and MUMC+
Classification: Likely benign. Review status: no assertion criteria provided. Collection method: clinical testing. Allele origin: germline. Affected: yes. Study: VKGL Data-share Consensus. Not counted in ClinVar's aggregate classification.

NM_004168.4(SDHA):c.313-19G>T

Gene: SDHA (succinate dehydrogenase complex flavoprotein subunit A; plus strand). Cytogenetic location: 5p15.33.
Variant type: single nucleotide variant.
Coding change: c.313-19G>T on transcript NM_004168.4 (MANE Select); 19 bases into the intron before coding-DNA position 313, G replaced by T.
Molecular consequence: intron variant.
Genome position (GRCh38, 1-based): chr5:225,400, G>T. VCF-style: chr5-225400-G-T. GRCh37 (hg19) VCF-style: chr5-225515-G-T.
Other names: c.313-19G>T (NM_004168.3, NM_001330758.2); c.313-483G>T (NM_001294332.2).
Identifiers: ClinVar variation 371857 (VCV000371857.24), dbSNP rs185555941, ClinGen allele CA3172796.